The following is an entry in ClinVar:

ClinVar aggregate classification (germline): Likely benign. Review status: criteria provided, multiple submitters, no conflicts (2 of 4 stars). 3 submissions from 2 submitters: Likely benign (3). Last evaluated 2025-10-13.

Conditions:
Neurofibromatosis, type 1 (NF1). Also called: VON RECKLINGHAUSEN DISEASE; NEUROFIBROMATOSIS, TYPE I, SOMATIC; Peripheral type neurofibromatosis; Neurofibromatosis, type I. Identifiers: Orphanet 636, MedGen C0027831, MONDO:0018975, OMIM 162200. Disease mechanism: loss of function.
Cardiovascular phenotype. Identifiers: MedGen CN230736.
Hereditary cancer-predisposing syndrome. Also called: Hereditary Cancer Syndrome; Hereditary neoplastic syndrome; Tumor predisposition; Neoplastic Syndromes, Hereditary. Identifiers: Orphanet 140162, MedGen C0027672, MeSH D009386, MONDO:0015356.

Allele frequency attached by ClinVar (database versions not stated): gnomAD exomes below 0.00001.
gnomAD v4.1: 3 of 1,607,764 alleles (0.00019%); highest among the groups gnomAD compares: Non-Finnish European, 0.00025%; no homozygotes.

Submissions (3):

Labcorp Genetics (formerly Invitae), Labcorp
Classification: Likely benign for Neurofibromatosis, type 1. Last evaluated: 2025-10-13. Review status: criteria provided, single submitter. Criteria: Invitae Variant Classification Sherloc (09022015). Collection method: clinical testing. Allele origin: germline.

Ambry Genetics
Classification: Likely benign for Hereditary cancer-predisposing syndrome. Last evaluated: 2016-07-21. Review status: criteria provided, single submitter. Criteria: Ambry Autosomal Dominant and X-Linked criteria (10/2015). Collection method: clinical testing. Allele origin: germline. Observed: 1 variant allele.
Comment: Synonymous alterations with insufficient evidence to classify as benign

Ambry Genetics
Classification: Likely benign for Cardiovascular phenotype; Hereditary cancer-predisposing syndrome. Last evaluated: 2016-07-21. Review status: criteria provided, single submitter. Criteria: Ambry Variant Classification Scheme 2023. Collection method: clinical testing. Allele origin: germline.

NM_001042492.3(NF1):c.7614T>C (p.Leu2538=)

Gene: NF1 (neurofibromin 1; plus strand). Cytogenetic location: 17q11.2.
Variant type: single nucleotide variant.
Coding change: c.7614T>C on transcript NM_001042492.3 (MANE Select); coding-DNA position 7614, T replaced by C.
Protein change: p.Leu2538=; no amino-acid change (leucine 2538 retained).
Molecular consequence: synonymous variant.
Genome position (GRCh38, 1-based): chr17:31,352,413, T>C. VCF-style: chr17-31352413-T-C. GRCh37 (hg19) VCF-style: chr17-29679431-T-C.
Other names: c.7551T>C, p.Leu2517= (NM_000267.4).
Identifiers: ClinVar variation 457851 (VCV000457851.11), dbSNP rs1555536374, ClinGen allele CA499239327.
Genomic context (GRCh38, chr17:31,352,413, plus strand): 5'-CAGGAAATCCATGAGCCTGGACATGGGGCAACCTTCTCAGGCCAACACTAAGAAGTTGCT[T>C]GGTTAGTTTATCTAAATTATGTAGATTTTTTTTATTATTTAAAAAAATAGATATTTTTAC-3'
Protein context (NP_001035957.1, residues 2528-2548): QPSQANTKKL[Leu2538=]GTRKSFDHLI